The following is an entry in ClinVar:

NM_130849.4(SLC39A4):c.300C>T (p.Ala100=)

Gene: SLC39A4 (solute carrier family 39 member 4; minus strand). Cytogenetic location: 8q24.3.
Variant type: single nucleotide variant.
Coding change: c.300C>T on transcript NM_130849.4 (MANE Select); coding-DNA position 300, C replaced by T.
Protein change: p.Ala100=; no amino-acid change (alanine 100 retained).
Molecular consequence: synonymous variant. On other transcripts: intron variant (1).
Genome position (GRCh38, 1-based): chr8:144,415,984, G>A on the plus strand (C>T on the coding strand, the complement: SLC39A4 is on the minus strand). VCF-style: chr8-144415984-G-A. GRCh37 (hg19) VCF-style: chr8-145641368-G-A.
Other names: c.225C>T, p.Ala75= (NM_017767.3); c.193-565C>T (NM_001374839.1).
Identifiers: ClinVar variation 764658 (VCV000764658.10), dbSNP rs374813285, ClinGen allele CA4941746.

ClinVar aggregate classification (germline): Likely benign. Review status: criteria provided, single submitter (1 of 4 stars). 3 submissions from 3 submitters: Likely benign (1). 2 of the submissions do not count toward it. Last evaluated 2024-02-26.

Conditions:
SLC39A4-related disorder. Also called: SLC39A4-related condition.
Hereditary acrodermatitis enteropathica (AEZ). Also called: Acrodermatitis enteropathica. Identifiers: Orphanet 37, MedGen C0221036, MONDO:0008713, OMIM 201100.

Allele frequency attached by ClinVar (database versions not stated): gnomAD 0.00004 and 0.00005; gnomAD exomes 0.00004; TOPMed 0.00006; ExAC 0.00008; ESP Exome Variant Server 0.00008.
gnomAD v4.1: 75 of 1,591,098 alleles (0.0047%); highest among the groups gnomAD compares: East Asian, 0.016%; no homozygotes.

Submissions (3):

Labcorp Genetics (formerly Invitae), Labcorp
Classification: Likely benign. Last evaluated: 2024-02-26. Review status: criteria provided, single submitter. Criteria: Invitae Variant Classification Sherloc (09022015). Collection method: clinical testing. Allele origin: germline.

Natera, Inc.
Classification: Likely benign for Acrodermatitis enteropathica. Last evaluated: 2019-12-30. Review status: no assertion criteria provided. Collection method: clinical testing. Allele origin: germline. Not counted in ClinVar's aggregate classification.

PreventionGenetics, part of Exact Sciences
Classification: Likely benign for SLC39A4-related condition. Last evaluated: 2019-05-15. Review status: no assertion criteria provided. Collection method: clinical testing. Allele origin: germline. Not counted in ClinVar's aggregate classification.
Comment: This variant is classified as likely benign based on ACMG/AMP sequence variant interpretation guidelines (Richards et al. 2015 PMID: 25741868, with internal and published modifications).